The following is an entry in ClinVar:

NM_020921.4(NIN):c.2038C>A (p.Gln680Lys)

Genes: NIN (ninein; minus strand), LOC130055602 (ATAC-STARR-seq lymphoblastoid active region 8362; plus strand). Cytogenetic location: 14q22.1.
Variant type: single nucleotide variant.
Coding change: c.2038C>A on transcript NM_020921.4 (MANE Select); coding-DNA position 2038, C replaced by A.
Protein change: p.Gln680Lys; replaces glutamine 680 with lysine.
Molecular consequence: missense variant.
Genome position (GRCh38, 1-based): chr14:50,760,218, G>T on the plus strand (C>A on the coding strand, the complement: NIN is on the minus strand). VCF-style: chr14-50760218-G-T. GRCh37 (hg19) VCF-style: chr14-51226936-G-T.
Other names: c.2038C>A, p.Gln680Lys (NM_016350.5, NM_182944.3, NM_182946.2); short protein forms Q680K.
Identifiers: ClinVar variation 4699424 (VCV004699424.1).
Genomic context (GRCh38, chr14:50,760,218, plus strand): 5'-CCTCCTCATGCCTGCAAGTGGCCTCATGATGTGCCTCCTTGAGCACTGCTGCTTGCCCCT[G>T]AAGTTCAGCAATTTCATTTTTAAGGTCACTTATTTGTTTTTCTAAGGTGTGCGTTTCGTT-3'
Protein context (NP_065972.4, residues 670-690): SDLKNEIAEL[Gln680Lys]GQAAVLKEAH

ClinVar aggregate classification (germline): Uncertain significance (1 of 4 stars; one submission).

gnomAD v4.1: 5 of 1,613,590 alleles (0.00031%); highest among the groups gnomAD compares: African/African-American, 0.0067%; no homozygotes.

Submission:

Labcorp Genetics (formerly Invitae), Labcorp
Classification: Uncertain significance. Last evaluated: 2025-12-15. Review status: criteria provided, single submitter. Criteria: Invitae Variant Classification Sherloc (09022015). Collection method: clinical testing. Allele origin: germline.
Comment: This sequence change replaces glutamine, which is neutral and polar, with lysine, which is basic and polar, at codon 680 of the NIN protein (p.Gln680Lys). This variant is present in population databases (rs375779499, gnomAD 0.008%). This variant has not been reported in the literature in individuals affected with NIN-related conditions. An algorithm developed to predict the effect of missense changes on protein structure and function (PolyPhen-2) suggests that this variant is likely to be tolerated. In summary, the available evidence is currently insufficient to determine the role of this variant in disease. Therefore, it has been classified as a Variant of Uncertain Significance.